The following is an entry in ClinVar:

NM_000384.3(APOB):c.5A>C (p.Asp2Ala)

Genes: APOB (apolipoprotein B; minus strand), LOC106560211 (APOB 5' regulatory region; plus strand). Cytogenetic location: 2p24.1.
Variant type: single nucleotide variant.
Coding change: c.5A>C on transcript NM_000384.3 (MANE Select); coding-DNA position 5, A replaced by C.
Protein change: p.Asp2Ala; replaces aspartic acid 2 with alanine.
Molecular consequence: missense variant.
Genome position (GRCh38, 1-based): chr2:21,043,941, T>G on the plus strand (A>C on the coding strand, the complement: APOB is on the minus strand). VCF-style: chr2-21043941-T-G. GRCh37 (hg19) VCF-style: chr2-21266813-T-G.
Other names: short protein forms D2A.
Identifiers: ClinVar variation 1750975 (VCV001750975.2), dbSNP rs1664204321, ClinGen allele CA345966488.

ClinVar aggregate classification (germline): Uncertain significance (1 of 4 stars; one submission).

Conditions:
Cardiovascular phenotype. Identifiers: MedGen CN230736.

Submission:

Ambry Genetics
Classification: Uncertain significance for Cardiovascular phenotype. Last evaluated: 2021-01-11. Review status: criteria provided, single submitter. Criteria: Ambry Variant Classification Scheme 2023. Collection method: clinical testing. Allele origin: germline.
Comment: The p.D2A variant (also known as c.5A>C), located in coding exon 1 of the APOB gene, results from an A to C substitution at nucleotide position 5. The aspartic acid at codon 2 is replaced by alanine, an amino acid with dissimilar properties. This amino acid position is well conserved in available vertebrate species. In addition, this alteration is predicted to be tolerated by in silico analysis. Since supporting evidence is limited at this time, the clinical significance of this alteration remains unclear.